The following is an entry in ClinVar:

ClinVar aggregate classification (germline): Likely pathogenic (1 of 4 stars; one submission).

Conditions:
Holoprosencephaly 5 (HPE5). Identifiers: Orphanet 2162, MedGen C1864827, MONDO:0012322, OMIM 609637.

Submission:

Labcorp Genetics (formerly Invitae), Labcorp
Classification: Likely pathogenic for Holoprosencephaly 5. Last evaluated: 2018-08-01. Review status: criteria provided, single submitter. Criteria: Invitae Variant Classification Sherloc (09022015). Collection method: clinical testing. Allele origin: germline.
Comment: This variant, c.1229_1234delAGCACA, results in the deletion of 2 amino acid(s) of the ZIC2 protein (p.Lys410_His411del), but otherwise preserves the integrity of the reading frame. This variant is not present in population databases (ExAC no frequency). Experimental studies and prediction algorithms are not available for this variant, and the functional significance of the deleted amino acids is currently unknown. In summary, the currently available evidence indicates that the variant is pathogenic, but additional data are needed to prove that conclusively. Therefore, this variant has been classified as Likely Pathogenic.

NM_007129.5(ZIC2):c.1229_1234del (p.Lys410_His411del)

Gene: ZIC2 (Zic family member 2; plus strand). Cytogenetic location: 13q32.3.
Variant type: Deletion.
Coding change: c.1229_1234del on transcript NM_007129.5 (MANE Select); coding-DNA positions 1229 to 1234, 6 bases deleted (AGCACA; older notation c.1229_1234delAGCACA).
Protein change: p.Lys410_His411del.
Molecular consequence: inframe deletion.
Genome position (GRCh38, 1-based): chr13:99,985,099-99,985,104, AGCACA deleted; deleting any 6 consecutive bases within chr13:99,985,098-99,985,104 gives the same sequence; the c. name uses the placement nearest the transcript's 3' end. VCF-style (leftmost placement, unchanged base first): chr13-99985097-GAAGCAC-G. GRCh37 (hg19) VCF-style: chr13-100637351-GAAGCAC-G.
Identifiers: ClinVar variation 570769 (VCV000570769.2), dbSNP rs1566405714, ClinGen allele CA891843533.